The following is an entry in ClinVar:

NM_007078.3(LDB3):c.1328C>T (p.Pro443Leu)

Gene: LDB3 (LIM domain binding 3; plus strand). Cytogenetic location: 10q23.2.
Variant type: single nucleotide variant.
Coding change: c.1328C>T on transcript NM_007078.3 (MANE Select); coding-DNA position 1328, C replaced by T.
Protein change: p.Pro443Leu; replaces proline 443 with leucine.
Molecular consequence: missense variant.
Genome position (GRCh38, 1-based): chr10:86,716,423, C>T. VCF-style: chr10-86716423-C-T. GRCh37 (hg19) VCF-style: chr10-88476180-C-T.
Other names: c.1328C>T (LRG_385t1); c.998C>T, p.Pro333Leu (NM_001080114.2); c.1343C>T, p.Pro448Leu (NM_001171610.2); c.1139C>T, p.Pro380Leu (NM_001368064.1, NM_001368065.1); c.1187C>T, p.Pro396Leu (NM_001368066.1); short protein forms P443L, P448L, P396L, P333L, P380L.
Identifiers: ClinVar variation 532925 (VCV000532925.13), dbSNP rs1554863327, ClinGen allele CA377449909.

ClinVar aggregate classification (germline): Uncertain significance. Review status: criteria provided, multiple submitters, no conflicts (2 of 4 stars). 3 submissions from 3 submitters: Uncertain significance (3). Last evaluated 2024-10-17.

Conditions:
Myofibrillar myopathy 4. Also called: Zaspopathy (type). Identifiers: Orphanet 98912, MedGen C4721886, MONDO:0012277, OMIM 609452.

Allele frequency attached by ClinVar (database versions not stated): gnomAD exomes below 0.00001.
gnomAD v4.1: 3 of 1,565,976 alleles (0.00019%); highest among the groups gnomAD compares: Middle Eastern, 0.023%; no homozygotes.

Submissions (3):

Labcorp Genetics (formerly Invitae), Labcorp
Classification: Uncertain significance for Myofibrillar myopathy 4. Last evaluated: 2024-10-17. Review status: criteria provided, single submitter. Criteria: Invitae Variant Classification Sherloc (09022015). Collection method: clinical testing. Allele origin: germline.
Comment: The LDB3 gene has multiple clinically relevant transcripts. This variant occurs in alternate transcript NM_007078.3, and corresponds to NM_001080116.1:c.*17049C>T in the primary transcript. This sequence change replaces proline, which is neutral and non-polar, with leucine, which is neutral and non-polar, at codon 443 of the LDB3 protein (p.Pro443Leu). This variant is not present in population databases (gnomAD no frequency). This variant has not been reported in the literature in individuals affected with LDB3-related conditions. Experimental studies and prediction algorithms are not available or were not evaluated, and the functional significance of this variant is currently unknown. In summary, the available evidence is currently insufficient to determine the role of this variant in disease. Therefore, it has been classified as a Variant of Uncertain Significance.

Blueprint Genetics
Classification: Uncertain significance. Last evaluated: 2020-12-11. Review status: criteria provided, single submitter. Criteria: ACMG Guidelines, 2015. Collection method: clinical testing. Allele origin: germline.

Mayo Clinic Laboratories, Mayo Clinic
Classification: Uncertain significance. Last evaluated: 2019-04-08. Review status: criteria provided, single submitter. Criteria: ACMG Guidelines, 2015. Collection method: clinical testing. Allele origin: germline. Observed: 1 variant allele.